The following is an entry in ClinVar:

ClinVar aggregate classification (germline): Uncertain significance (1 of 4 stars; one submission).

gnomAD v4.1: 48 of 1,596,822 alleles (0.003%); highest among the groups gnomAD compares: South Asian, 0.052%; 1 homozygote.

Submission:

Women's Health and Genetics/Laboratory Corporation of America, LabCorp
Classification: Uncertain significance. Last evaluated: 2024-07-30. Review status: criteria provided, single submitter. Criteria: LabCorp Variant Classification Summary - May 2015. Collection method: clinical testing. Allele origin: germline.
Comment: Variant summary: FAT2 c.10531C>T (p.Leu3511Phe) results in a non-conservative amino acid change located in the Cadherin-like (IPR002126) of the encoded protein sequence. Four of five in-silico tools predict a damaging effect of the variant on protein function. The variant allele was found at a frequency of 3.7e-05 in 244774 control chromosomes. The available data on variant occurrences in the general population are insufficient to allow any conclusion about variant significance. To our knowledge, no occurrence of c.10531C>T in individuals affected with Spinocerebellar Ataxia 45 and no experimental evidence demonstrating its impact on protein function have been reported. No submitters have cited clinical-significance assessments for this variant to ClinVar. Based on the evidence outlined above, the variant was classified as uncertain significance.

NM_001447.3(FAT2):c.10531C>T (p.Leu3511Phe)

Genes: FAT2 (FAT atypical cadherin 2; minus strand), SLC36A1 (solute carrier family 36 member 1; plus strand), LOC132089193 (Neanderthal introgressed variant-containing enhancer experimental_82555; plus strand). Cytogenetic location: 5q33.1.
Variant type: single nucleotide variant.
Coding change: c.10531C>T on transcript NM_001447.3 (MANE Select); coding-DNA position 10531, C replaced by T.
Protein change: p.Leu3511Phe; replaces leucine 3511 with phenylalanine.
Molecular consequence: missense variant.
Genome position (GRCh38, 1-based): chr5:151,522,062, G>A on the plus strand (C>T on the coding strand, the complement: FAT2 is on the minus strand). VCF-style: chr5-151522062-G-A. GRCh37 (hg19) VCF-style: chr5-150901623-G-A.
Other names: short protein forms L3511F.
Identifiers: ClinVar variation 3338975 (VCV003338975.1).